The following is an entry in ClinVar:

ClinVar aggregate classification (germline): Uncertain significance. Review status: criteria provided, multiple submitters, no conflicts (2 of 4 stars). 2 submissions from 2 submitters: Uncertain significance (2). Last evaluated 2025-06-09.

Conditions:
Inborn genetic diseases. Identifiers: MedGen C0950123, MeSH D030342.
Lethal multiple pterygium syndrome (LMPS). Identifiers: Orphanet 33108, MedGen C1854678, MONDO:0009668, OMIM 253290.

Submissions (2):

Labcorp Genetics (formerly Invitae), Labcorp
Classification: Uncertain significance for Lethal multiple pterygium syndrome. Last evaluated: 2025-06-09. Review status: criteria provided, single submitter. Criteria: Invitae Variant Classification Sherloc (09022015). Collection method: clinical testing. Allele origin: germline.
Comment: This sequence change replaces proline, which is neutral and non-polar, with threonine, which is neutral and polar, at codon 5 of the CHRNA1 protein (p.Pro5Thr). This variant is present in population databases (no rsID available, gnomAD 0.01%). This variant has not been reported in the literature in individuals affected with CHRNA1-related conditions. ClinVar contains an entry for this variant (Variation ID: 3492516). Invitae Evidence Modeling of protein sequence and biophysical properties (such as structural, functional, and spatial information, amino acid conservation, physicochemical variation, residue mobility, and thermodynamic stability) indicates that this missense variant is not expected to disrupt CHRNA1 protein function with a negative predictive value of 95%. In summary, the available evidence is currently insufficient to determine the role of this variant in disease. Therefore, it has been classified as a Variant of Uncertain Significance.

Ambry Genetics
Classification: Uncertain significance for Inborn genetic diseases. Last evaluated: 2024-08-15. Review status: criteria provided, single submitter. Criteria: Ambry Variant Classification Scheme 2023. Collection method: clinical testing. Allele origin: germline.

NM_000079.4(CHRNA1):c.13C>A (p.Pro5Thr)

Gene: CHRNA1 (cholinergic receptor nicotinic alpha 1 subunit; minus strand). Cytogenetic location: 2q31.1.
Variant type: single nucleotide variant.
Coding change: c.13C>A on transcript NM_000079.4 (MANE Select); coding-DNA position 13, C replaced by A.
Protein change: p.Pro5Thr; replaces proline 5 with threonine.
Molecular consequence: missense variant.
Genome position (GRCh38, 1-based): chr2:174,764,382, G>T on the plus strand (C>A on the coding strand, the complement: CHRNA1 is on the minus strand). VCF-style: chr2-174764382-G-T. GRCh37 (hg19) VCF-style: chr2-175629110-G-T.
Other names: c.13C>A, p.Pro5Thr (NM_001039523.3); short protein forms P5T.
Identifiers: ClinVar variation 3492516 (VCV003492516.2).